The following is an entry in ClinVar:

NM_000051.4(ATM):c.1447C>A (p.Leu483Ile)

Gene: ATM (ATM serine/threonine kinase; plus strand). Cytogenetic location: 11q22.3.
Variant type: single nucleotide variant.
Coding change: c.1447C>A on transcript NM_000051.4 (MANE Select); coding-DNA position 1447, C replaced by A.
Protein change: p.Leu483Ile; replaces leucine 483 with isoleucine.
Molecular consequence: missense variant.
Genome position (GRCh38, 1-based): chr11:108,250,912, C>A. VCF-style: chr11-108250912-C-A. GRCh37 (hg19) VCF-style: chr11-108121639-C-A.
Other names: c.1447C>A, p.Leu483Ile (NM_001351834.2); short protein forms L483I.
Identifiers: ClinVar variation 4170129 (VCV004170129.1).

ClinVar aggregate classification (germline): Uncertain significance (1 of 4 stars; one submission).

Conditions:
Hereditary cancer-predisposing syndrome. Also called: Neoplastic Syndromes, Hereditary; Tumor predisposition; Hereditary Cancer Syndrome; Hereditary neoplastic syndrome. Identifiers: Orphanet 140162, MedGen C0027672, MeSH D009386, MONDO:0015356.

Submission:

Ambry Genetics
Classification: Uncertain significance for Hereditary cancer-predisposing syndrome. Last evaluated: 2025-08-22. Review status: criteria provided, single submitter. Criteria: Ambry Variant Classification Scheme 2023. Collection method: clinical testing. Allele origin: germline.
Comment: The p.L483I variant (also known as c.1447C>A), located in coding exon 9 of the ATM gene, results from a C to A substitution at nucleotide position 1447. The leucine at codon 483 is replaced by isoleucine, an amino acid with highly similar properties. This amino acid position is conserved. In addition, this alteration is predicted to be tolerated by in silico analysis. Based on the available evidence, the clinical significance of this variant remains unclear.